The following is an entry in ClinVar:

ClinVar aggregate classification (germline): Benign (1 of 4 stars; one submission).

Allele frequency attached by ClinVar (database versions not stated): gnomAD exomes 0.23232; gnomAD 0.25721 and 0.26309; TOPMed 0.25807; 1000 Genomes Project 30x 0.29856; 1000 Genomes Project 0.30052.
gnomAD v4.1: 210,126 of 882,234 alleles (24%); highest among the groups gnomAD compares: South Asian, 39%; 25,808 homozygotes.

Submission:

GeneDx
Classification: Benign. Last evaluated: 2019-04-20. Review status: criteria provided, single submitter. Criteria: GeneDx Variant Classification Process June 2021. Collection method: clinical testing. Allele origin: germline. Affected: yes.
Comment: This variant is associated with the following publications: (PMID: 29205500)

NM_001290043.2(TAP2):c.*718C>T

Gene: TAP2 (transporter 2, ATP binding cassette subfamily B member; minus strand). Cytogenetic location: 6p21.32.
Variant type: single nucleotide variant.
Coding change: c.*718C>T on transcript NM_001290043.2 (MANE Select); 718 bases downstream of the stop codon, C replaced by T.
Molecular consequence: 3 prime UTR variant. On other transcripts: intron variant (1).
Genome position (GRCh38, 1-based): chr6:32,828,188, G>A on the plus strand (C>T on the coding strand, the complement: TAP2 is on the minus strand). VCF-style: chr6-32828188-G-A. GRCh37 (hg19) VCF-style: chr6-32795965-G-A.
Other names: c.*667C>T (NM_000544.3); c.1932+1212C>T (NM_018833.3).
Identifiers: ClinVar variation 1296950 (VCV001296950.2), dbSNP rs241456, ClinGen allele CA12368353.